The following is an entry in ClinVar:

ClinVar aggregate classification (germline): Uncertain significance (1 of 4 stars; one submission).

gnomAD v4.1: 5 of 1,613,982 alleles (0.00031%); highest among the groups gnomAD compares: Middle Eastern, 0.017%; no homozygotes.

Submission:

Labcorp Genetics (formerly Invitae), Labcorp
Classification: Uncertain significance. Last evaluated: 2022-06-04. Review status: criteria provided, single submitter. Criteria: Invitae Variant Classification Sherloc (09022015). Collection method: clinical testing. Allele origin: germline.
Comment: This variant has not been reported in the literature in individuals affected with NSUN2-related conditions. In summary, the available evidence is currently insufficient to determine the role of this variant in disease. Therefore, it has been classified as a Variant of Uncertain Significance. Algorithms developed to predict the effect of missense changes on protein structure and function are either unavailable or do not agree on the potential impact of this missense change (SIFT: "Deleterious"; PolyPhen-2: "Probably Damaging"; Align-GVGD: "Class C0"). This variant is present in population databases (rs112327056, gnomAD 0.002%). This sequence change replaces isoleucine, which is neutral and non-polar, with methionine, which is neutral and non-polar, at codon 41 of the NSUN2 protein (p.Ile41Met).

NM_017755.6(NSUN2):c.123C>G (p.Ile41Met)

Gene: NSUN2 (NOP2/Sun RNA methyltransferase 2; minus strand). Cytogenetic location: 5p15.31.
Variant type: single nucleotide variant.
Coding change: c.123C>G on transcript NM_017755.6 (MANE Select); coding-DNA position 123, C replaced by G.
Protein change: p.Ile41Met; replaces isoleucine 41 with methionine.
Molecular consequence: missense variant. On other transcripts: non-coding transcript variant (1).
Genome position (GRCh38, 1-based): chr5:6,632,730, G>C on the plus strand (C>G on the coding strand, the complement: NSUN2 is on the minus strand). VCF-style: chr5-6632730-G-C. GRCh37 (hg19) VCF-style: chr5-6632843-G-C.
Other names: c.123C>G, p.Ile41Met (NM_001193455.2); short protein forms I41M.
Identifiers: ClinVar variation 1909041 (VCV001909041.3), dbSNP rs112327056, ClinGen allele CA3192924.